The following is an entry in ClinVar:

NM_007255.3(B4GALT7):c.600C>T (p.Val200=)

Gene: B4GALT7 (beta-1,4-galactosyltransferase 7; plus strand). Cytogenetic location: 5q35.3.
Variant type: single nucleotide variant.
Coding change: c.600C>T on transcript NM_007255.3 (MANE Select); coding-DNA position 600, C replaced by T.
Protein change: p.Val200=; no amino-acid change (valine 200 retained).
Molecular consequence: synonymous variant.
Genome position (GRCh38, 1-based): chr5:177,607,488, C>T. VCF-style: chr5-177607488-C-T. GRCh37 (hg19) VCF-style: chr5-177034489-C-T.
Other names: p.Val200=.
Identifiers: ClinVar variation 1546589 (VCV001546589.32), dbSNP rs148615542, ClinGen allele CA3586542.
Genomic context (GRCh38, chr5:177,607,488, plus strand): 5'-TGGGCCCTTCCACGTGGCCTCCCCGGAGCTCCACCCTCTCTACCACTACAAGACCTATGT[C>T]GGCGGCATCCTGCTGCTCTCCAAGCAGCACTACCGGCTGGTGAGGCCCGGACAGCCTGCT-3'
Protein context (NP_009186.1, residues 190-210): LHPLYHYKTY[Val200=]GGILLLSKQH

ClinVar aggregate classification (germline): Likely benign. Review status: criteria provided, multiple submitters, no conflicts (2 of 4 stars). 3 submissions from 3 submitters: Likely benign (3). Last evaluated 2025-09-15.

Conditions:
Spondylodysplastic Ehlers-Danlos syndrome. Identifiers: Orphanet 536471, Orphanet 75496, MedGen C5680154, MONDO:0007526.

Allele frequency attached by ClinVar (database versions not stated): gnomAD 0.00005 and 0.00011; 1000 Genomes Project 30x 0.00016; 1000 Genomes Project 0.00020; ExAC 0.00020.
gnomAD v4.1: 199 of 1,613,422 alleles (0.012%); highest among the groups gnomAD compares: South Asian, 0.15%; no homozygotes.

Submissions (3):

Labcorp Genetics (formerly Invitae), Labcorp
Classification: Likely benign for Spondylodysplastic Ehlers-Danlos syndrome. Last evaluated: 2025-09-15. Review status: criteria provided, single submitter. Criteria: Invitae Variant Classification Sherloc (09022015). Collection method: clinical testing. Allele origin: germline.

Mayo Clinic Laboratories, Mayo Clinic
Classification: Likely benign. Last evaluated: 2025-05-22. Review status: criteria provided, single submitter. Criteria: ACMG Guidelines, 2015. Collection method: clinical testing. Allele origin: germline. Observed: 1 variant allele.
Comment: BS1, BP4, BP7

CeGaT Center for Human Genetics Tuebingen
Classification: Likely benign. Last evaluated: 2023-08-01. Review status: criteria provided, single submitter. Criteria: CeGaT Center For Human Genetics Tuebingen Variant Classification Criteria Version 2. Collection method: clinical testing. Allele origin: germline. Affected: yes. Observed: 1 variant allele.
Comment: B4GALT7: BP4, BP7